The following is an entry in ClinVar:

ClinVar aggregate classification (germline): Likely pathogenic (1 of 4 stars; one submission).

Conditions:
Renal tubular acidosis with progressive nerve deafness. Also called: Distal Renal Tubular Acidosis with Progressive Sensorineural Deafness; renal tubular acidosis, distal, 2, with progressive sensorineural hearing loss; RENAL TUBULAR ACIDOSIS, AUTOSOMAL RECESSIVE, WITH PROGRESSIVE NERVE DEAFNESS; RTA WITH PROGRESSIVE NERVE DEAFNESS. Identifiers: MedGen C0403554, MONDO:0009968, OMIM 267300.

Submission:

Natera, Inc.
Classification: Likely pathogenic for Renal tubular acidosis with progressive nerve deafness. Last evaluated: 2025-10-15. Review status: criteria provided, single submitter. Criteria: Natera Variant Classification Schema (03/2026). Collection method: clinical testing. Allele origin: germline.
Comment: The c.891T>G variant in ATP6V1B1 is a nonsense variant predicted to introduce a stop codon at amino acid 297. This variant is expected to result in nonsense mediated decay, truncation, or a dysfunctional protein product. This variant is rare in the general population with a frequency below the threshold expected for the associated phenotype(s). Given the available evidence, this variant is classified as Likely Pathogenic.

NM_001692.4(ATP6V1B1):c.891T>G (p.Tyr297Ter)

Gene: ATP6V1B1 (ATPase H+ transporting V1 subunit B1; plus strand). Cytogenetic location: 2p13.3.
Variant type: single nucleotide variant.
Coding change: c.891T>G on transcript NM_001692.4 (MANE Select); coding-DNA position 891, T replaced by G.
Protein change: p.Tyr297Ter; replaces tyrosine 297 with a stop codon.
Molecular consequence: nonsense.
Genome position (GRCh38, 1-based): chr2:70,962,882, T>G. VCF-style: chr2-70962882-T-G. GRCh37 (hg19) VCF-style: chr2-71190012-T-G.
Other names: short protein forms Y297*.
Identifiers: ClinVar variation 4814937 (VCV004814937.1).